The following is an entry in ClinVar:

ClinVar aggregate classification (germline): Uncertain significance. Review status: criteria provided, multiple submitters, no conflicts (2 of 4 stars). 2 submissions from 2 submitters: Uncertain significance (2). Last evaluated 2026-02-01.

gnomAD v4.1: 25 of 1,610,280 alleles (0.0016%); highest among the groups gnomAD compares: Middle Eastern, 0.033%; no homozygotes.

Submissions (2):

CeGaT Center for Human Genetics Tuebingen
Classification: Uncertain significance. Last evaluated: 2026-02-01. Review status: criteria provided, single submitter. Criteria: CeGaT Center For Human Genetics Tuebingen Variant Classification Criteria Version 2. Collection method: clinical testing. Allele origin: germline. Affected: yes. Observed: 1 variant allele.
Comment: TOGARAM1: PM2, BP4

Ambry Genetics
Classification: Uncertain significance. Last evaluated: 2024-04-22. Review status: criteria provided, single submitter. Criteria: Ambry Variant Classification Scheme 2023. Collection method: clinical testing. Allele origin: germline.

NM_001308120.2(TOGARAM1):c.2245G>T (p.Ala749Ser)

Gene: TOGARAM1 (TOG array regulator of axonemal microtubules 1; plus strand). Cytogenetic location: 14q21.2.
Variant type: single nucleotide variant.
Coding change: c.2245G>T on transcript NM_001308120.2 (MANE Select); coding-DNA position 2245, G replaced by T.
Protein change: p.Ala749Ser; replaces alanine 749 with serine.
Molecular consequence: missense variant. On other transcripts: non-coding transcript variant (1).
Genome position (GRCh38, 1-based): chr14:44,999,404, G>T. VCF-style: chr14-44999404-G-T. GRCh37 (hg19) VCF-style: chr14-45468607-G-T.
Other names: c.2245G>T, p.Ala749Ser (NM_015091.4); short protein forms A749S.
Identifiers: ClinVar variation 3327976 (VCV003327976.5).